The following is an entry in ClinVar:

ClinVar aggregate classification (germline): Uncertain significance (1 of 4 stars; one submission).

Conditions:
Fanconi anemia (FA). Also called: Fanconi's anemia. Identifiers: Orphanet 84, MedGen C0015625, MeSH D005199, MONDO:0019391.

gnomAD v4.1: 1 of 1,607,186 alleles (0.000062%); highest among the groups gnomAD compares: Non-Finnish European, 0.000085%; no homozygotes.

Submission:

Labcorp Genetics (formerly Invitae), Labcorp
Classification: Uncertain significance for Fanconi anemia. Last evaluated: 2025-05-13. Review status: criteria provided, single submitter. Criteria: Invitae Variant Classification Sherloc (09022015). Collection method: clinical testing. Allele origin: germline.
Comment: This sequence change falls in intron 6 of the FANCD2 gene. It does not directly change the encoded amino acid sequence of the FANCD2 protein. This variant is not present in population databases (gnomAD no frequency). This variant has not been reported in the literature in individuals affected with FANCD2-related conditions. Algorithms developed to predict the effect of sequence changes on RNA splicing suggest that this variant may disrupt the consensus splice site. In summary, the available evidence is currently insufficient to determine the role of this variant in disease. Therefore, it has been classified as a Variant of Uncertain Significance.

NM_001018115.3(FANCD2):c.439-13T>A

Genes: FANCD2 (FA complementation group D2; plus strand), LOC107303338 (3p25 FANCD2 Alu-mediated recombination region; plus strand). Cytogenetic location: 3p25.3.
Variant type: single nucleotide variant.
Coding change: c.439-13T>A on transcript NM_001018115.3 (MANE Select); 13 bases into the intron before coding-DNA position 439, T replaced by A.
Molecular consequence: intron variant.
Genome position (GRCh38, 1-based): chr3:10,036,274, T>A. VCF-style: chr3-10036274-T-A. GRCh37 (hg19) VCF-style: chr3-10077958-T-A.
Other names: c.439-13T>A (NM_001319984.2, NM_001374253.1, NM_033084.6 and 2 more transcripts).
Identifiers: ClinVar variation 4719454 (VCV004719454.1).
Genomic context (GRCh38, chr3:10,036,274, plus strand): 5'-AAGTAGCTGGGATTATACATTTCTATTGTGTATTTTGAGATCATCTCCTAACTCCCTATG[T>A]CTTCTTTTTTAGCCTGCCATTATCAAAACCTTATTTGAGAAGTTGCCAGAATATTTTTTT-3'